The following is an entry in ClinVar:

ClinVar aggregate classification (germline): Uncertain significance. Review status: criteria provided, multiple submitters, no conflicts (2 of 4 stars). 2 submissions from 2 submitters: Uncertain significance (2). Last evaluated 2026-03-02.

gnomAD v4.1: 1 of 1,614,074 alleles (0.000062%); highest among the groups gnomAD compares: African/African-American, 0.0013%; no homozygotes.

Submissions (2):

Women's Health and Genetics/Laboratory Corporation of America, LabCorp
Classification: Uncertain significance. Last evaluated: 2026-03-02. Review status: criteria provided, single submitter. Criteria: LabCorp Variant Classification Summary - May 2015. Collection method: clinical testing. Allele origin: germline.

GeneDx
Classification: Uncertain significance. Last evaluated: 2017-01-20. Review status: criteria provided, single submitter. Criteria: GeneDx Variant Classification (06012015). Collection method: clinical testing. Allele origin: germline. Affected: yes.
Comment: A variant of uncertain significance has been identified in the ALMS1 gene. The I2846V variant has not been published as pathogenic or been reported as benign to our knowledge. This variant is not observed in large population cohorts (Lek et al., 2016; 1000 Genomes Consortium et al., 2015; Exome Variant Server; Exome Aggregation Consortium). Nevertheless, the I2846V variant is a conservative amino acid substitution, which is not likely to impact secondary protein structure as these residues share similar properties. Additionally, this substitution occurs at a position where amino acids with similar properties to isoleucine (I) are tolerated across species, and valine (V) is tolerated in several species. Furthermore, in silico analysis predicts this variant likely does not alter the protein structure/function.

NM_001378454.1(ALMS1):c.8533A>G (p.Ile2845Val)

Gene: ALMS1 (ALMS1 centrosome and basal body associated protein; plus strand). Cytogenetic location: 2p13.1.
Variant type: single nucleotide variant.
Coding change: c.8533A>G on transcript NM_001378454.1 (MANE Select); coding-DNA position 8533, A replaced by G.
Protein change: p.Ile2845Val; replaces isoleucine 2845 with valine.
Molecular consequence: missense variant.
Genome position (GRCh38, 1-based): chr2:73,490,492, A>G. VCF-style: chr2-73490492-A-G. GRCh37 (hg19) VCF-style: chr2-73717619-A-G.
Other names: c.8536A>G, p.Ile2846Val (NM_015120.4); short protein forms I2846V, I2845V.
Identifiers: ClinVar variation 393028 (VCV000393028.3), dbSNP rs1057524748, ClinGen allele CA16604293.